The following is an entry in ClinVar:

NM_005219.5(DIAPH1):c.1936_1971del (p.Ser646_Leu657del)

Gene: DIAPH1 (diaphanous related formin 1; minus strand). Cytogenetic location: 5q31.3.
Variant type: Deletion.
Coding change: c.1936_1971del on transcript NM_005219.5 (MANE Select); coding-DNA positions 1936 to 1971, 36 bases deleted.
Protein change: p.Ser646_Leu657del.
Molecular consequence: inframe deletion.
Genome position (GRCh38, 1-based): chr5:141,573,879-141,573,914, 36 bases deleted; deleting any 36 consecutive bases within chr5:141,573,879-141,573,931 gives the same sequence; the c. name uses the placement nearest the transcript's 3' end. GRCh37 (hg19): chr5:140,953,463-140,953,498.
Other names: c.1909_1944del, p.Ser637_Leu648del (NM_001079812.3); c.1936_1971del, p.Ser646_Leu657del (NM_001314007.2).
Identifiers: ClinVar variation 1933410 (VCV001933410.5), dbSNP rs2513740693, ClinGen allele CA1082278866.

ClinVar aggregate classification (germline): Uncertain significance (1 of 4 stars; one submission).

Conditions:
Progressive microcephaly-seizures-cortical blindness-developmental delay syndrome. Also called: Seizures, cortical blindness, and microcephaly syndrome. Identifiers: Orphanet 477814, MedGen C5567650, MONDO:0014714, OMIM 616632.
Autosomal dominant nonsyndromic hearing loss 1. Also called: DEAFNESS, AUTOSOMAL DOMINANT 1, WITH OR WITHOUT THROMBOCYTOPENIA; KONIGSMARK SYNDROME. Identifiers: Orphanet 90635, MedGen C1852282, MONDO:0007424, OMIM 124900.

Submission:

Labcorp Genetics (formerly Invitae), Labcorp
Classification: Uncertain significance for Progressive microcephaly-seizures-cortical blindness-developmental delay syndrome; Autosomal dominant nonsyndromic hearing loss 1. Last evaluated: 2025-05-27. Review status: criteria provided, single submitter. Criteria: Invitae Variant Classification Sherloc (09022015). Collection method: clinical testing. Allele origin: germline.
Comment: This variant, c.1936_1971del, results in the deletion of 12 amino acid(s) of the DIAPH1 protein (p.Ser646_Leu657del), but otherwise preserves the integrity of the reading frame. This variant is not present in population databases (gnomAD no frequency). This variant has not been reported in the literature in individuals affected with DIAPH1-related conditions. ClinVar contains an entry for this variant (Variation ID: 1933410). Experimental studies and prediction algorithms are not available or were not evaluated, and the functional significance of this variant is currently unknown. In summary, the available evidence is currently insufficient to determine the role of this variant in disease. Therefore, it has been classified as a Variant of Uncertain Significance.